The following is an entry in ClinVar:

NM_015973.5(GAL):c.205G>A (p.Glu69Lys)

Gene: GAL (galanin and GMAP prepropeptide; plus strand). Cytogenetic location: 11q13.2.
Variant type: single nucleotide variant.
Coding change: c.205G>A on transcript NM_015973.5 (MANE Select); coding-DNA position 205, G replaced by A.
Protein change: p.Glu69Lys; replaces glutamic acid 69 with lysine.
Molecular consequence: missense variant.
Genome position (GRCh38, 1-based): chr11:68,688,082, G>A. VCF-style: chr11-68688082-G-A. GRCh37 (hg19) VCF-style: chr11-68455550-G-A.
Other names: short protein forms E69K.
Identifiers: ClinVar variation 475911 (VCV000475911.9), dbSNP rs571107777, ClinGen allele CA6151482.

ClinVar aggregate classification (germline): Uncertain significance. Review status: criteria provided, multiple submitters, no conflicts (2 of 4 stars). 2 submissions from 2 submitters: Uncertain significance (2). Last evaluated 2023-05-17.

Conditions:
Familial temporal lobe epilepsy 8. Identifiers: Orphanet 101046, MedGen C4225318, MONDO:0014650, OMIM 616461.

Allele frequency attached by ClinVar (database versions not stated): gnomAD exomes 0.00002 and 0.00001; 1000 Genomes Project 0.00020; gnomAD 0.00002 and 0.00003; 1000 Genomes Project 30x 0.00016; ExAC 0.00001; TOPMed 0.00005.
gnomAD v4.1: 31 of 1,610,834 alleles (0.0019%); highest among the groups gnomAD compares: Middle Eastern, 0.033%; no homozygotes.

Submissions (2):

Ambry Genetics
Classification: Uncertain significance. Last evaluated: 2023-05-17. Review status: criteria provided, single submitter. Criteria: Ambry Variant Classification Scheme 2023. Collection method: clinical testing. Allele origin: germline.

Labcorp Genetics (formerly Invitae), Labcorp
Classification: Uncertain significance for Familial temporal lobe epilepsy 8. Last evaluated: 2017-04-16. Review status: criteria provided, single submitter. Criteria: Invitae Variant Classification Sherloc (09022015). Collection method: clinical testing. Allele origin: germline.
Comment: In summary, this variant is a rare missense change with uncertain impact on protein function. There is no indication that it causes disease, but the available evidence is currently insufficient to prove that conclusively. Therefore, it has been classified as a Variant of Uncertain Significance. Algorithms developed to predict the effect of missense changes on protein structure and function do not agree on the potential impact of this missense change (SIFT: "Deleterious"; PolyPhen-2: "Possibly Damaging"; Align-GVGD: "Class C0"). This variant is present in population databases (rs571107777, ExAC 0.006%) but has not been reported in the literature in individuals with a GAL-related disease. This sequence change replaces glutamic acid with lysine at codon 69 of the GAL protein (p.Glu69Lys). The glutamic acid residue is moderately conserved and there is a small physicochemical difference between glutamic acid and lysine.